The following is an entry in ClinVar:

NM_133372.3(FNIP1):c.2882G>A (p.Ser961Asn)

Gene: FNIP1 (folliculin interacting protein 1; minus strand). Cytogenetic location: 5q31.1.
Variant type: single nucleotide variant.
Coding change: c.2882G>A on transcript NM_133372.3 (MANE Select); coding-DNA position 2882, G replaced by A.
Protein change: p.Ser961Asn; replaces serine 961 with asparagine.
Molecular consequence: missense variant.
Genome position (GRCh38, 1-based): chr5:131,671,562, C>T on the plus strand (G>A on the coding strand, the complement: FNIP1 is on the minus strand). VCF-style: chr5-131671562-C-T. GRCh37 (hg19) VCF-style: chr5-131007255-C-T.
Other names: c.2798G>A, p.Ser933Asn (NM_001008738.3); c.2747G>A, p.Ser916Asn (NM_001346114.2); short protein forms S961N, S916N, S933N.
Identifiers: ClinVar variation 3715472 (VCV003715472.2).

ClinVar aggregate classification (germline): Uncertain significance (1 of 4 stars; one submission).

gnomAD v4.1: 12 of 1,613,284 alleles (0.00074%); highest among the groups gnomAD compares: Non-Finnish European, 0.00093%; no homozygotes.

Submission:

Labcorp Genetics (formerly Invitae), Labcorp
Classification: Uncertain significance. Last evaluated: 2024-07-23. Review status: criteria provided, single submitter. Criteria: Invitae Variant Classification Sherloc (09022015). Collection method: clinical testing. Allele origin: germline.
Comment: This sequence change replaces serine, which is neutral and polar, with asparagine, which is neutral and polar, at codon 961 of the FNIP1 protein (p.Ser961Asn). This variant is present in population databases (rs749180593, gnomAD 0.003%). This variant has not been reported in the literature in individuals affected with FNIP1-related conditions. An algorithm developed to predict the effect of missense changes on protein structure and function (PolyPhen-2) suggests that this variant is likely to be tolerated. In summary, the available evidence is currently insufficient to determine the role of this variant in disease. Therefore, it has been classified as a Variant of Uncertain Significance.